The following is an entry in ClinVar:

ClinVar aggregate classification (germline): Uncertain significance. Review status: criteria provided, multiple submitters, no conflicts (2 of 4 stars). 6 submissions from 2 submitters: Uncertain significance (6). Last evaluated 2023-11-20.

Conditions:
Autosomal recessive limb-girdle muscular dystrophy type 2J (LGMDR10). Also called: Limb-girdle muscular dystrophy, type 2J; MUSCULAR DYSTROPHY, LIMB-GIRDLE, AUTOSOMAL RECESSIVE 10. Identifiers: Orphanet 140922, MedGen C1837342, MONDO:0012127, OMIM 608807.
Dilated cardiomyopathy 1G (CMD1G). Identifiers: Orphanet 154, MedGen C1858763, MONDO:0011400, OMIM 604145.
Early-onset myopathy with fatal cardiomyopathy (CMYO5). Also called: CONGENITAL MYOPATHY 5 WITH CARDIOMYOPATHY; Salih Myopathy. Identifiers: Orphanet 289377, MedGen C2673677, MONDO:0012714, OMIM 611705. Disease mechanism: loss of function.
Myopathy, myofibrillar, 9, with early respiratory failure (MFM9). Also called: EDSTROM MYOPATHY; MYOPATHY, PROXIMAL, WITH EARLY RESPIRATORY MUSCLE INVOLVEMENT; Myopathy, distal, with early respiratory failure, autosomal dominant; Hereditary myopathy with early respiratory failure. Identifiers: Orphanet 178464, Orphanet 34521, MedGen C1863599, MONDO:0011362, OMIM 603689.
Tibial muscular dystrophy (TMD). Also called: Tibial muscular dystrophy, tardive; UDD MYOPATHY; Udd Distal Myopathy – Tibial Muscular Dystrophy. Identifiers: Orphanet 609, MedGen C1838244, MONDO:0010870, OMIM 600334.

Allele frequency attached by ClinVar (database versions not stated): TOPMed 0.00002.
gnomAD v4.1: 5 of 1,611,388 alleles (0.00031%); highest among the groups gnomAD compares: African/African-American, 0.0013%; no homozygotes.

Submissions (6):

Women's Health and Genetics/Laboratory Corporation of America, LabCorp
Classification: Uncertain significance. Last evaluated: 2023-11-20. Review status: criteria provided, single submitter. Criteria: LabCorp Variant Classification Summary - May 2015. Collection method: clinical testing. Allele origin: germline.
Comment: Variant summary: TTN c.51022C>T (p.Arg17008Cys) results in a non-conservative amino acid change in the encoded protein sequence. Three of four in-silico tools predict a damaging effect of the variant on protein function. The variant was absent in 245594 control chromosomes. The available data on variant occurrences in the general population are insufficient to allow any conclusion about variant significance. To our knowledge, no occurrence of c.51022C>T in individuals affected with Dilated Cardiomyopathy and no experimental evidence demonstrating its impact on protein function have been reported. One submitter has cited clinical-significance assessments for this variant to ClinVar after 2014 and has classified the variant as uncertain significance. Based on the evidence outlined above, the variant was classified as uncertain significance.

Illumina Laboratory Services, Illumina
Classification: Uncertain significance for Early-onset myopathy with fatal cardiomyopathy. Last evaluated: 2018-01-13. Review status: criteria provided, single submitter. Criteria: ICSL Variant Classification Criteria 13 December 2019. Collection method: clinical testing. Allele origin: germline.

Illumina Laboratory Services, Illumina
Classification: Uncertain significance for Dilated cardiomyopathy 1G. Last evaluated: 2018-01-13. Review status: criteria provided, single submitter. Criteria: ICSL Variant Classification Criteria 13 December 2019. Collection method: clinical testing. Allele origin: germline.

Illumina Laboratory Services, Illumina
Classification: Uncertain significance for Myopathy, myofibrillar, 9, with early respiratory failure. Last evaluated: 2018-01-13. Review status: criteria provided, single submitter. Criteria: ICSL Variant Classification Criteria 13 December 2019. Collection method: clinical testing. Allele origin: germline.

Illumina Laboratory Services, Illumina
Classification: Uncertain significance for Autosomal recessive limb-girdle muscular dystrophy type 2J. Last evaluated: 2018-01-13. Review status: criteria provided, single submitter. Criteria: ICSL Variant Classification Criteria 13 December 2019. Collection method: clinical testing. Allele origin: germline.

Illumina Laboratory Services, Illumina
Classification: Uncertain significance for Tibial muscular dystrophy. Last evaluated: 2018-01-13. Review status: criteria provided, single submitter. Criteria: ICSL Variant Classification Criteria 13 December 2019. Collection method: clinical testing. Allele origin: germline.

NM_001267550.2(TTN):c.58726C>T (p.Arg19576Cys)

Genes: TTN (titin; minus strand), TTN-AS1 (TTN antisense RNA 1; plus strand). Cytogenetic location: 2q31.2.
Variant type: single nucleotide variant.
Coding change: c.58726C>T on transcript NM_001267550.2 (MANE Select); coding-DNA position 58726, C replaced by T.
Protein change: p.Arg19576Cys; replaces arginine 19576 with cysteine.
Molecular consequence: missense variant.
Genome position (GRCh38, 1-based): chr2:178,593,574, G>A on the plus strand (C>T on the coding strand, the complement: TTN is on the minus strand). VCF-style: chr2-178593574-G-A. GRCh37 (hg19) VCF-style: chr2-179458301-G-A.
Other names: c.53803C>T, p.Arg17935Cys (NM_001256850.1); c.31531C>T, p.Arg10511Cys (NM_003319.4); c.51022C>T, p.Arg17008Cys (NM_133378.4); c.31906C>T, p.Arg10636Cys (NM_133432.3); c.32107C>T, p.Arg10703Cys (NM_133437.4); short protein forms R10636C, R17008C, R19576C, R10703C, R17935C, R10511C.
Identifiers: ClinVar variation 893942 (VCV000893942.5), dbSNP rs779755661, ClinGen allele CA349502596.